The following is an entry in ClinVar:

NM_020856.4(TSHZ3):c.2454C>T (p.Ser818=)

Gene: TSHZ3 (teashirt zinc finger homeobox 3; minus strand). Cytogenetic location: 19q12.
Variant type: single nucleotide variant.
Coding change: c.2454C>T on transcript NM_020856.4 (MANE Select); coding-DNA position 2454, C replaced by T.
Protein change: p.Ser818=; no amino-acid change (serine 818 retained).
Molecular consequence: synonymous variant.
Genome position (GRCh38, 1-based): chr19:31,277,339, G>A on the plus strand (C>T on the coding strand, the complement: TSHZ3 is on the minus strand). VCF-style: chr19-31277339-G-A. GRCh37 (hg19) VCF-style: chr19-31768245-G-A.
Identifiers: ClinVar variation 3034450 (VCV003034450.2), dbSNP rs1225573150, ClinGen allele CA506990622.
Genomic context (GRCh38, chr19:31,277,339, plus strand): 5'-CGGCGAGTTTGACATGAATGATACGACGGCAGATGTCTTTGCCGTTGTCACCGTGGATGA[G>A]GAGGTTGCCGGGGCTGTGGACGTGGGTGACAGAAGCACTGAACCCAAGGAGCAGCCTTTG-3'
Protein context (NP_065907.2, residues 808-828): LSPTSTAPAT[Ser818=]SSTVTTAKTS

ClinVar aggregate classification (germline): Likely benign (0 of 4 stars; one submission).

Conditions:
TSHZ3-related disorder. Also called: TSHZ3-related condition.

Allele frequency attached by ClinVar (database versions not stated): gnomAD exomes below 0.00001; TOPMed 0.00001; gnomAD 0.00002.
gnomAD v4.1: 4 of 1,613,818 alleles (0.00025%); highest among the groups gnomAD compares: Admixed American, 0.0017%; no homozygotes.

Submission:

PreventionGenetics, part of Exact Sciences
Classification: Likely benign for TSHZ3-related condition. Last evaluated: 2019-06-18. Review status: no assertion criteria provided. Collection method: clinical testing. Allele origin: germline.
Comment: This variant is classified as likely benign based on ACMG/AMP sequence variant interpretation guidelines (Richards et al. 2015 PMID: 25741868, with internal and published modifications).